The following is an entry in ClinVar:

ClinVar aggregate classification (germline): Likely pathogenic (1 of 4 stars; one submission).

Conditions:
Retinal disorder. Also called: Retinopathy; Retinopathies; Retinal Diseases; Retinal disorders. Identifiers: MedGen C0035309, MONDO:0005283, HP:0000488.

Submission:

North West Genomic Laboratory Hub, Manchester University NHS Foundation Trust
Classification: Likely pathogenic for Retinal disorders. Last evaluated: 2025-02-11. Review status: criteria provided, single submitter. Criteria: ACGS Best Practice Guidelines for Variant Classification in Rare Disease 2024. Collection method: clinical testing. Allele origin: germline. Affected: yes.
Comment: PM3_Supp PM2_Mod PP3_Supp PP4_Supp PS1_Str

NM_000350.3(ABCA4):c.1293G>T (p.Trp431Cys)

Gene: ABCA4 (ATP binding cassette subfamily A member 4; minus strand). Cytogenetic location: 1p22.1.
Variant type: single nucleotide variant.
Coding change: c.1293G>T on transcript NM_000350.3 (MANE Select); coding-DNA position 1293, G replaced by T.
Protein change: p.Trp431Cys; replaces tryptophan 431 with cysteine.
Molecular consequence: missense variant.
Genome position (GRCh38, 1-based): chr1:94,078,653, C>A on the plus strand (G>T on the coding strand, the complement: ABCA4 is on the minus strand). VCF-style: chr1-94078653-C-A. GRCh37 (hg19) VCF-style: chr1-94544209-C-A.
Other names: c.1293G>T, p.Trp431Cys (NM_001425324.1); short protein forms W431C.
Identifiers: ClinVar variation 4887995 (VCV004887995.1).